The following is an entry in ClinVar:

NM_181507.2(HPS5):c.1180_1183del (p.Thr394fs)

Gene: HPS5 (HPS5 biogenesis of lysosomal organelles complex 2 subunit 2; minus strand). Cytogenetic location: 11p15.1.
Variant type: Deletion.
Coding change: c.1180_1183del on transcript NM_181507.2 (MANE Select); coding-DNA positions 1180 to 1183, 4 bases deleted (ACTG; older notation c.1180_1183delACTG).
Protein change: p.Thr394fs; shifts the reading frame from threonine 394.
Molecular consequence: frameshift variant.
Genome position (GRCh38, 1-based): chr11:18,297,699-18,297,702, CAGT deleted on the plus strand (ACTG on the coding strand, the reverse complement: HPS5 is on the minus strand); deleting any 4 consecutive bases within chr11:18,297,699-18,297,704 gives the same sequence; the c. name uses the placement nearest the transcript's 3' end. VCF-style (leftmost placement, unchanged base first): chr11-18297698-GCAGT-G. GRCh37 (hg19) VCF-style: chr11-18319245-GCAGT-G.
Other names: c.1180_1183del, p.Thr394fs (NM_001440902.1, NM_001440903.1, NM_001440904.1 and 5 more transcripts); c.1105_1108del, p.Thr369fs (NM_001440907.1, NM_001440908.1, NM_001440909.1); c.1069_1072del, p.Thr357fs (NM_001440913.1, NM_001440914.1, NM_001440915.1); c.994_997del, p.Thr332fs (NM_001440918.1); c.967_970del, p.Thr323fs (NM_001440919.1); c.838_841del, p.Thr280fs (NM_001440920.1, NM_001440921.1, NM_001440922.1 and 7 more transcripts); c.766_769del, p.Thr256fs (NM_001440927.1, NM_001440928.1, NM_001440929.1); short protein forms T332fs, T369fs, T256fs, T280fs, T323fs, T357fs, T394fs.
Identifiers: ClinVar variation 4751164 (VCV004751164.1).

ClinVar aggregate classification (germline): Pathogenic (1 of 4 stars; one submission).

Submission:

Labcorp Genetics (formerly Invitae), Labcorp
Classification: Pathogenic. Last evaluated: 2025-12-08. Review status: criteria provided, single submitter. Criteria: Invitae Variant Classification Sherloc (09022015). Collection method: clinical testing. Allele origin: germline.
Comment: This sequence change creates a premature translational stop signal (p.Thr394Glnfs*7) in the HPS5 gene. It is expected to result in an absent or disrupted protein product. Loss-of-function variants in HPS5 are known to be pathogenic (PMID: 12548288, 15296495, 21833017, 26785811). This variant is not present in population databases (gnomAD no frequency). This variant has not been reported in the literature in individuals affected with HPS5-related conditions. For these reasons, this variant has been classified as Pathogenic.

Literature cited by the submitters: PubMed 12548288; PubMed 15296495; PubMed 21833017; PubMed 26785811.